The following is an entry in ClinVar:

ClinVar aggregate classification (germline): Uncertain significance (1 of 4 stars; one submission).

Conditions:
Hereditary cancer-predisposing syndrome. Also called: Neoplastic Syndromes, Hereditary; Hereditary Cancer Syndrome; Tumor predisposition; Hereditary neoplastic syndrome. Identifiers: Orphanet 140162, MedGen C0027672, MeSH D009386, MONDO:0015356.

Submission:

Ambry Genetics
Classification: Uncertain significance for Hereditary cancer-predisposing syndrome. Last evaluated: 2022-11-07. Review status: criteria provided, single submitter. Criteria: Ambry Variant Classification Scheme 2023. Collection method: clinical testing. Allele origin: germline.
Comment: The p.V755L variant (also known as c.2263G>T), located in coding exon 12 of the RET gene, results from a G to T substitution at nucleotide position 2263. The valine at codon 755 is replaced by leucine, an amino acid with highly similar properties. This amino acid position is highly conserved in available vertebrate species. In addition, this alteration is predicted to be deleterious by in silico analysis. Since supporting evidence is limited at this time, the clinical significance of this alteration remains unclear.

NM_020975.6(RET):c.2263G>T (p.Val755Leu)

Gene: RET (ret proto-oncogene; plus strand). Cytogenetic location: 10q11.21.
Variant type: single nucleotide variant.
Coding change: c.2263G>T on transcript NM_020975.6 (MANE Select); coding-DNA position 2263, G replaced by T.
Protein change: p.Val755Leu; replaces valine 755 with leucine.
Molecular consequence: missense variant.
Genome position (GRCh38, 1-based): chr10:43,116,710, G>T. VCF-style: chr10-43116710-G-T. GRCh37 (hg19) VCF-style: chr10-43612158-G-T.
Other names: c.2263G>T, p.Val755Leu (NM_000323.2, NM_001406743.1, NM_001406744.1 and 4 more transcripts); c.1501G>T, p.Val501Leu (NM_001355216.2); c.2134G>T, p.Val712Leu (NM_001406761.1, NM_001406762.1, NM_001406764.1); c.2128G>T, p.Val710Leu (NM_001406763.1, NM_001406765.1); c.1975G>T, p.Val659Leu (NM_001406766.1, NM_001406767.1, NM_001406770.1); c.1999G>T, p.Val667Leu (NM_001406768.1); c.1867G>T, p.Val623Leu (NM_001406769.1, NM_001406772.1); c.1825G>T, p.Val609Leu (NM_001406771.1, NM_001406773.1); and 10 more; short protein forms V411L, V413L, V501L, V272L, V320L, V360L, V416L, V712L.
Identifiers: ClinVar variation 2447534 (VCV002447534.2), dbSNP rs2132909324, ClinGen allele CA376554824.